The following is an entry in ClinVar:

ClinVar aggregate classification (germline): Conflicting classifications of pathogenicity. Review status: criteria provided, conflicting classifications (1 of 4 stars). 7 submissions from 7 submitters: Likely pathogenic (4); Uncertain significance (1). 2 of the submissions do not count toward it. Last evaluated 2025-12-18.

Conditions:
Finnish congenital nephrotic syndrome (NPHS1). Also called: NEPHROTIC SYNDROME, TYPE 1. Identifiers: Orphanet 839, MedGen C0403399, MONDO:0009732, OMIM 256300.
Unexplained young onset end-stage renal disease.
NPHS1-related disorder. Also called: NPHS1-related condition.

Allele frequency attached by ClinVar (database versions not stated): gnomAD exomes 0.00001; ExAC 0.00002.

Submissions (7):

Women's Health and Genetics/Laboratory Corporation of America, LabCorp
Classification: Likely pathogenic for Finnish congenital nephrotic syndrome. Last evaluated: 2025-12-18. Review status: criteria provided, single submitter. Criteria: LabCorp Variant Classification Summary - May 2015. Collection method: clinical testing. Allele origin: germline.
Comment: Variant summary: NPHS1 c.1019C>A (p.Pro340His) results in a non-conservative amino acid change in the encoded protein sequence. Algorithms developed to predict the effect of missense changes on protein structure and function all suggest that this variant is likely to be disruptive. The variant allele was found at a frequency of 1.2e-05 in 251400 control chromosomes. c.1019C>A has been observed in individual(s) affected with Nephrotic Syndrome, Type 1 (Buscher_2016, Schoeb_2010, Vaseghi_2024). These data indicate that the variant is likely to be associated with disease. To our knowledge, no experimental evidence demonstrating an impact on protein function has been reported. The following publications have been ascertained in the context of this evaluation (PMID: 26668027, 20172850, 38278869). ClinVar contains an entry for this variant (Variation ID: 56417). Based on the evidence outlined above, the variant was classified as likely pathogenic.

Genetics Laboratory, Great Ormond Street Hospital NHS Foundation Trust, North Thames Genomic Laboratory Hub
Classification: Likely pathogenic for Unexplained young onset end-stage renal disease. Last evaluated: 2025-09-12. Review status: criteria provided, single submitter. Criteria: ACGS Best Practice Guidelines for Variant Classification in Rare Disease 2024 v1.2. Collection method: clinical testing. Allele origin: germline. Affected: yes.
Comment: PM2_moderate, PP3_supporting, PM3_moderate, PP4_supporting

Myriad Genetics, Inc.
Classification: Likely pathogenic for Finnish congenital nephrotic syndrome. Last evaluated: 2025-07-01. Review status: criteria provided, single submitter. Criteria: Myriad Autosomal Dominant, Autosomal Recessive and X-Linked Classification Criteria (2023). Collection method: clinical testing. Allele origin: unknown.
Comment: NM_004646.3(NPHS1):c.1019C>A(P340H) is a missense variant classified as likely pathogenic in the context of nephrotic syndrome, NPHS1-related. P340H has been observed in cases with relevant disease (PMID: 20172850, 26668027, 38278869, 26400569). Relevant functional assessments of this variant are not available in the literature. P340H has been observed in referenced population frequency databases. In summary, NM_004646.3(NPHS1):c.1019C>A(P340H) is a missense variant that has been observed more frequently in cases with the relevant disease than in healthy populations. Please note: this variant was assessed in the context of healthy population screening.

Broad Center for Mendelian Genomics, Broad Institute of MIT and Harvard
Classification: Uncertain significance for Finnish congenital nephrotic syndrome. Last evaluated: 2024-10-07. Review status: criteria provided, single submitter. Criteria: ACMG Guidelines, 2015. Collection method: research. Allele origin: germline. Inheritance: Autosomal recessive inheritance. Affected: yes.
Comment: This variant has been identified in 0.007% (6/91070) of South Asian chromosomes by the Genome Aggregation Database (gnomAD; dbSNP rs386833861). Although this variant has been seen in the general population in a heterozygous state, its frequency is low enough to be consistent with a recessive carrier frequency. This variant has been reported in ClinVar (Variation ID: 56417) and has been interpreted as likely pathogenic by Baylor Genetics and PreventionGenetics. Computational prediction tools and conservation analyses suggest that this variant may impact the protein, though this information is not predictive enough to determine pathogenicity. In summary, while there is some suspicion for a pathogenic role, the clinical significance of this variant is uncertain. ACMG/AMP Criteria applied: PP3_moderate, PM3, PM2_supporting.

Baylor Genetics
Classification: Likely pathogenic for Finnish congenital nephrotic syndrome. Last evaluated: 2024-03-12. Review status: criteria provided, single submitter. Criteria: ACMG Guidelines, 2015. Collection method: clinical testing. Allele origin: unknown.

PreventionGenetics, part of Exact Sciences
Classification: Likely pathogenic for NPHS1-related condition. Last evaluated: 2024-07-23. Review status: no assertion criteria provided. Collection method: clinical testing. Allele origin: germline. Not counted in ClinVar's aggregate classification.
Comment: The NPHS1 c.1019C>A variant is predicted to result in the amino acid substitution p.Pro340His. This variant has been reported in the homozygous or compound heterozygous state in two unrelated patients with steroid-resistant nephrotic syndrome (SRNS) (Schoeb et al. 2010. PubMed ID: 20172850). This variant is reported in 0.0098% of alleles in individuals of South Asian descent in gnomAD. This variant is interpreted as likely pathogenic.

Juha Muilu Group; Institute for Molecular Medicine Finland (FIMM)
Classification: Likely pathogenic for Finnish congenital nephrotic syndrome. Review status: no assertion criteria provided. Collection method: not provided. Allele origin: unknown. Not counted in ClinVar's aggregate classification.
Comment: FinDis database variant: FinDis database variant: This variant was not found or characterized by our laboratory, data were collected from public sources: see reference
ClinVar note: Converted during submission from probable-pathogenic to Likely pathogenic.

Literature cited by the submitters: PubMed 20172850 (cited by Women's Health and Genetics/Laboratory Corporation of America, LabCorp and Myriad Genetics, Inc.); PubMed 26668027 (cited by Women's Health and Genetics/Laboratory Corporation of America, LabCorp and Myriad Genetics, Inc.); PubMed 38278869 (cited by Women's Health and Genetics/Laboratory Corporation of America, LabCorp and Myriad Genetics, Inc.); PubMed 26400569 (cited by Myriad Genetics, Inc.).

NM_004646.4(NPHS1):c.1019C>A (p.Pro340His)

Gene: NPHS1 (NPHS1 adhesion molecule, nephrin; minus strand). Cytogenetic location: 19q13.12.
Variant type: single nucleotide variant.
Coding change: c.1019C>A on transcript NM_004646.4 (MANE Select); coding-DNA position 1019, C replaced by A.
Protein change: p.Pro340His; replaces proline 340 with histidine.
Molecular consequence: missense variant.
Genome position (GRCh38, 1-based): chr19:35,848,788, G>T on the plus strand (C>A on the coding strand, the complement: NPHS1 is on the minus strand). VCF-style: chr19-35848788-G-T. GRCh37 (hg19) VCF-style: chr19-36339690-G-T.
Other names: short protein forms P340H.
Identifiers: ClinVar variation 56417 (VCV000056417.10), dbSNP rs386833861, ClinGen allele CA250079.